The following is an entry in ClinVar:

ClinVar aggregate classification (germline): Uncertain significance (1 of 4 stars; one submission).

Allele frequency attached by ClinVar (database versions not stated): gnomAD 0.00001; TOPMed 0.00001.
gnomAD v4.1: 2 of 1,613,532 alleles (0.00012%); highest among the groups gnomAD compares: African/African-American, 0.0013%; no homozygotes.

Submission:

Labcorp Genetics (formerly Invitae), Labcorp
Classification: Uncertain significance. Last evaluated: 2022-09-07. Review status: criteria provided, single submitter. Criteria: Invitae Variant Classification Sherloc (09022015). Collection method: clinical testing. Allele origin: germline.
Comment: In summary, the available evidence is currently insufficient to determine the role of this variant in disease. Therefore, it has been classified as a Variant of Uncertain Significance. Algorithms developed to predict the effect of sequence changes on RNA splicing suggest that this variant may create or strengthen a splice site. Algorithms developed to predict the effect of missense changes on protein structure and function (SIFT, PolyPhen-2, Align-GVGD) all suggest that this variant is likely to be tolerated. This variant has not been reported in the literature in individuals affected with SCP2-related conditions. This variant is not present in population databases (gnomAD no frequency). This sequence change replaces serine, which is neutral and polar, with asparagine, which is neutral and polar, at codon 125 of the SCP2 protein (p.Ser125Asn).

NM_002979.5(SCP2):c.374G>A (p.Ser125Asn)

Gene: SCP2 (sterol carrier protein 2; plus strand). Cytogenetic location: 1p32.3.
Variant type: single nucleotide variant.
Coding change: c.374G>A on transcript NM_002979.5 (MANE Select); coding-DNA position 374, G replaced by A.
Protein change: p.Ser125Asn; replaces serine 125 with asparagine.
Molecular consequence: missense variant.
Genome position (GRCh38, 1-based): chr1:52,954,782, G>A. VCF-style: chr1-52954782-G-A. GRCh37 (hg19) VCF-style: chr1-53420454-G-A.
Other names: c.242G>A, p.Ser81Asn (NM_001007098.3, NM_001193600.2); c.302G>A, p.Ser101Asn (NM_001193599.2); c.131G>A, p.Ser44Asn (NM_001193617.2); c.374G>A, p.Ser125Asn (NM_001330587.2); short protein forms S125N, S44N, S101N, S81N.
Identifiers: ClinVar variation 2043513 (VCV002043513.2), dbSNP rs926560565, ClinGen allele CA22561419.